The following is an entry in ClinVar:

ClinVar aggregate classification (germline): Uncertain significance. Review status: criteria provided, multiple submitters, no conflicts (2 of 4 stars). 5 submissions from 5 submitters: Uncertain significance (5). Last evaluated 2025-08-17.

Conditions:
Autosomal recessive nonsyndromic hearing loss 3. Also called: NEUROSENSORY NONSYNDROMIC RECESSIVE DEAFNESS 3. Identifiers: Orphanet 90636, MedGen C1838263, MONDO:0010860, OMIM 600316.

Allele frequency attached by ClinVar (database versions not stated): gnomAD exomes 0.00001 and 0.00002; ExAC 0.00002; gnomAD 0.00002 and 0.00003; TOPMed 0.00004; ESP Exome Variant Server 0.00008.

Submissions (5):

GeneDx
Classification: Uncertain significance. Last evaluated: 2025-08-17. Review status: criteria provided, single submitter. Criteria: GeneDx Variant Classification Process June 2021. Collection method: clinical testing. Allele origin: germline. Affected: yes.
Comment: Reported as homozygous in an individual with hearing loss in published literature, however, the individual was also reported to have a homozygous variant in a different gene related to hearing loss (PMID: 29048421); In silico analysis suggests that this missense variant does not alter protein structure/function; This variant is associated with the following publications: (PMID: 29048421)

Daryl Scott Lab, Baylor College of Medicine
Classification: Uncertain significance for Autosomal recessive nonsyndromic hearing loss 3. Last evaluated: 2024-01-01. Review status: criteria provided, single submitter. Criteria: ACMG Guidelines, 2015. Collection method: clinical testing. Allele origin: biparental. Observed: 1 homozygote.
Comment: PM2

Labcorp Genetics (formerly Invitae), Labcorp
Classification: Uncertain significance. Last evaluated: 2022-10-13. Review status: criteria provided, single submitter. Criteria: Invitae Variant Classification Sherloc (09022015). Collection method: clinical testing. Allele origin: germline.
Comment: This sequence change replaces isoleucine, which is neutral and non-polar, with threonine, which is neutral and polar, at codon 3198 of the MYO15A protein (p.Ile3198Thr). This variant is present in population databases (rs369742063, gnomAD 0.01%). This variant has not been reported in the literature in individuals affected with MYO15A-related conditions. ClinVar contains an entry for this variant (Variation ID: 164564). Advanced modeling of protein sequence and biophysical properties (such as structural, functional, and spatial information, amino acid conservation, physicochemical variation, residue mobility, and thermodynamic stability) performed at Invitae indicates that this missense variant is not expected to disrupt MYO15A protein function. In summary, the available evidence is currently insufficient to determine the role of this variant in disease. Therefore, it has been classified as a Variant of Uncertain Significance.

Athena Diagnostics
Classification: Uncertain significance. Last evaluated: 2019-03-04. Review status: criteria provided, single submitter. Criteria: Athena Diagnostics Criteria. Collection method: clinical testing. Allele origin: germline.

Laboratory for Molecular Medicine, Mass General Brigham Personalized Medicine
Classification: Uncertain significance. Last evaluated: 2014-05-30. Review status: criteria provided, single submitter. Criteria: LMM Criteria. Collection method: clinical testing. Allele origin: germline. Observed: 3 variant alleles.
Comment: The Ile3198Thr variant in MYO15A has not been previously reported in individuals with hearing loss, but has been identified in 0.01% (1/8274) of European Americ an chromosomes by the NHLBI Exome Sequencing Project (du/EVS/; dbSNP rs369742063); though this frequency is not high enough to rule ou t pathogenicity. The isoleucine (Ile) at position 3198 is not conserved in mamma ls or evolutionary distant species, raising the possibility that a change at thi s position may be tolerated. Additional computational prediction tools do not pr ovide strong support for or against an impact to the protein. In summary, the cl inical significance of the Ile3198Thr variant is uncertain.

NM_016239.4(MYO15A):c.9593T>C (p.Ile3198Thr)

Gene: MYO15A (myosin XVA; plus strand). Cytogenetic location: 17p11.2.
Variant type: single nucleotide variant.
Coding change: c.9593T>C on transcript NM_016239.4 (MANE Select); coding-DNA position 9593, T replaced by C.
Protein change: p.Ile3198Thr; replaces isoleucine 3198 with threonine.
Molecular consequence: missense variant.
Genome position (GRCh38, 1-based): chr17:18,162,660, T>C. VCF-style: chr17-18162660-T-C. GRCh37 (hg19) VCF-style: chr17-18065974-T-C.
Other names: short protein forms I3198T.
Identifiers: ClinVar variation 164564 (VCV000164564.11), dbSNP rs369742063, ClinGen allele CA177271.